The following is an entry in ClinVar:

ClinVar aggregate classification (germline): Pathogenic. Review status: criteria provided, multiple submitters, no conflicts (2 of 4 stars). 9 submissions from 9 submitters: Pathogenic (7). 2 of the submissions do not count toward it. Last evaluated 2025-03-13.

Conditions:
Becker muscular dystrophy, Cardiomyopathy, Duchenne muscular dystrophy, Dystrophin deficiency.
Cardiovascular phenotype. Identifiers: MedGen CN230736.
Duchenne muscular dystrophy (DMD). Also called: MUSCULAR DYSTROPHY, PSEUDOHYPERTROPHIC PROGRESSIVE, DUCHENNE TYPE; Duchenne Muscular Dystrophy (DMD). Identifiers: Orphanet 98896, MedGen C0013264, MONDO:0010679, OMIM 310200.

Allele frequency attached by ClinVar (database versions not stated): gnomAD exomes below 0.00001 and 0.00001; ExAC 0.00001.
gnomAD v4.1: 1 of 1,209,384 alleles (0.000083%); highest among the groups gnomAD compares: South Asian, 0.0018%; no homozygotes.

Submissions (9):

Labcorp Genetics (formerly Invitae), Labcorp
Classification: Pathogenic for Duchenne muscular dystrophy. Last evaluated: 2025-03-13. Review status: criteria provided, single submitter. Criteria: Invitae Variant Classification Sherloc (09022015). Collection method: clinical testing. Allele origin: germline.
Comment: This sequence change creates a premature translational stop signal (p.Arg1967*) in the DMD gene. It is expected to result in an absent or disrupted protein product. Loss-of-function variants in DMD are known to be pathogenic (PMID: 16770791, 25007885). The frequency data for this variant in the population databases is considered unreliable, as metrics indicate poor data quality at this position in the gnomAD database. This premature translational stop signal has been observed in individuals with Duchenne or Becker muscular dystrophy (PMID: 8401539, 18652600, 30833962). This variant is also known as c.6107C>T. ClinVar contains an entry for this variant (Variation ID: 11258). For these reasons, this variant has been classified as Pathogenic.

Natera, Inc.
Classification: Pathogenic for Becker muscular dystrophy, Cardiomyopathy, Duchenne muscular dystrophy, Dystrophin deficiency. Last evaluated: 2025-02-11. Review status: criteria provided, single submitter. Criteria: Natera Variant Classification Schema (03/2026). Collection method: clinical testing. Allele origin: germline.
Comment: The c.5899C>T variant in DMD is a nonsense variant predicted to introduce a stop codon at amino acid 1967. This variant is expected to result in nonsense mediated decay, truncation, or a dysfunctional protein product. This variant is rare in the general population with a frequency below the threshold expected for the associated phenotype(s). This variant has been observed in affected individual(s) with monoallelic occurrence (heterozygous/hemizygous) (PMID: 35218518, 34327855, 34297739). Given the available evidence, this variant is classified as Pathogenic.

Revvity Omics, Revvity
Classification: Pathogenic. Last evaluated: 2023-05-10. Review status: criteria provided, single submitter. Criteria: ACMG Guidelines, 2015. Collection method: clinical testing. Allele origin: germline.

Ambry Genetics
Classification: Pathogenic for Cardiovascular phenotype. Last evaluated: 2020-12-30. Review status: criteria provided, single submitter. Criteria: Ambry Variant Classification Scheme 2023. Collection method: clinical testing. Allele origin: germline.
Comment: The p.R1967* pathogenic mutation (also known as c.5899C>T), located in coding exon 41 of the DMD gene, results from a C to T substitution at nucleotide position 5899. This changes the amino acid from an arginine to a stop codon within coding exon 41. This mutation has been detected in muscular dystrophy cohorts (Cunniff C et al. J Child Neurol, 2009 Apr;24:425-30; Takeshima Y et al. J Hum Genet, 2010 Jun;55:379-88; Park HJ et al. Clin Genet, 2017 03;91:403-410; Wang L et al. Front Genet, 2019 Feb;10:114; Okubo M et al. Hum Genet, 2020 Feb;139:247-255). In addition to the clinical data presented in the literature, this alteration is expected to result in loss of function by premature protein truncation or nonsense-mediated mRNA decay. As such, this alteration is interpreted as a disease-causing mutation.

Eurofins Ntd Llc (ga)
Classification: Pathogenic. Last evaluated: 2017-10-12. Review status: criteria provided, single submitter. Criteria: EGL Classification Definitions 2015. Collection method: clinical testing. Allele origin: germline. Observed: 3 variant alleles, 1 heterozygote, 2 hemizygotes.

Athena Diagnostics
Classification: Pathogenic. Last evaluated: 2017-09-19. Review status: criteria provided, single submitter. Criteria: Athena Diagnostics Criteria. Collection method: clinical testing. Allele origin: germline.

GeneDx
Classification: Pathogenic. Last evaluated: 2017-03-29. Review status: criteria provided, single submitter. Criteria: GeneDx Variant Classification Process June 2021. Collection method: clinical testing. Allele origin: germline. Affected: yes.
Comment: Based on the understanding of this genetic alteration, it may be amenable to nonsense read-through therapy that is currently available or in clinical trial; This variant is associated with the following publications: (PMID: 32559196, 31727011, 31919629, 30833962, 27363342, 19065519, 19937601, 19959795, 8401539, 18652600, 25525159, 15319032)

Foundation for Research in Genetics and Endocrinology, FRIGE's Institute of Human Genetics
Classification: Uncertain significance for Duchenne muscular dystrophy. Last evaluated: 2017-11-30. Review status: no assertion criteria provided. Collection method: clinical testing. Allele origin: germline. Inheritance: X-linked recessive inheritance. Affected: no and yes. Observed: 2 variant alleles, 1 heterozygote, 1 hemizygote. Not counted in ClinVar's aggregate classification.
Comment: The observed variant c.5899C>T (p.Arg1967Ter) is not reported in 1000 Genomes and its minor allele frequency in ExAC databases is 0.00001328. The in silico prediction of the variant is disease causing by MutationTaster2.

OMIM
Classification: Pathogenic for DUCHENNE MUSCULAR DYSTROPHY. Last evaluated: 1993-01-01. Review status: no assertion criteria provided. Collection method: literature only. Allele origin: germline. Not counted in ClinVar's aggregate classification.

Literature cited by the submitters: PubMed 16770791 (cited by Labcorp Genetics (formerly Invitae), Labcorp); PubMed 25007885 (cited by Labcorp Genetics (formerly Invitae), Labcorp); PubMed 8401539 (cited by 3 submitters); PubMed 18652600 (cited by Labcorp Genetics (formerly Invitae), Labcorp and Athena Diagnostics); PubMed 30833962 (cited by Labcorp Genetics (formerly Invitae), Labcorp and Ambry Genetics); PubMed 35218518 (cited by Natera, Inc.); PubMed 34327855 (cited by Natera, Inc.); PubMed 34297739 (cited by Natera, Inc.); PubMed 15319032 (cited by Ambry Genetics and Athena Diagnostics); PubMed 19074751 (cited by Ambry Genetics and Athena Diagnostics); PubMed 20485447 (cited by Ambry Genetics and Athena Diagnostics); PubMed 27363342 (cited by Ambry Genetics); PubMed 31919629 (cited by Ambry Genetics); PubMed 11524473 (cited by Athena Diagnostics); PubMed 16331671 (cited by Athena Diagnostics); PubMed 19937601 (cited by Athena Diagnostics); PubMed 7849724 (cited by Athena Diagnostics); PubMed 19959795 (cited by Athena Diagnostics); PubMed 24349052 (cited by Athena Diagnostics); PubMed 17435279 (cited by Athena Diagnostics); PubMed 26740235 (cited by Athena Diagnostics); PubMed 28318817 (cited by Athena Diagnostics).

NM_004006.3(DMD):c.5899C>T (p.Arg1967Ter)

Gene: DMD (dystrophin; minus strand). Cytogenetic location: Xp21.1.
Variant type: single nucleotide variant.
Coding change: c.5899C>T on transcript NM_004006.3 (MANE Select); coding-DNA position 5899, C replaced by T.
Protein change: p.Arg1967Ter; replaces arginine 1967 with a stop codon.
Molecular consequence: nonsense.
Genome position (GRCh38, 1-based): chrX:32,342,123, G>A on the plus strand (C>T on the coding strand, the complement: DMD is on the minus strand). VCF-style: chrX-32342123-G-A. GRCh37 (hg19) VCF-style: chrX-32360240-G-A.
Other names: NP_003997.1:p.Arg1967*; c.5875C>T, p.Arg1959Ter (NM_000109.4); c.5887C>T, p.Arg1963Ter (NM_004009.3); c.5530C>T, p.Arg1844Ter (NM_004010.3); c.1876C>T, p.Arg626Ter (NM_004011.4); c.1867C>T, p.Arg623Ter (NM_004012.4); short protein forms R1967*, R1844*, R626*, R1963*, R623*, R1959*.
Identifiers: ClinVar variation 11258 (VCV000011258.25), dbSNP rs128626249, ClinGen allele CA273091.